The following is an entry in ClinVar:

NM_006206.6(PDGFRA):c.1668A>T (p.Glu556Asp)

Gene: PDGFRA (platelet derived growth factor receptor alpha; plus strand). Cytogenetic location: 4q12.
Variant type: single nucleotide variant.
Coding change: c.1668A>T on transcript NM_006206.6 (MANE Select); coding-DNA position 1668, A replaced by T.
Protein change: p.Glu556Asp; replaces glutamic acid 556 with aspartic acid.
Molecular consequence: missense variant.
Genome position (GRCh38, 1-based): chr4:54,274,855, A>T. VCF-style: chr4-54274855-A-T. GRCh37 (hg19) VCF-style: chr4-55141022-A-T.
Other names: c.1668A>T, p.Glu556Asp (NM_001347827.2, NM_001347829.2); c.1743A>T, p.Glu581Asp (NM_001347828.2); c.1707A>T, p.Glu569Asp (NM_001347830.2); short protein forms E556D, E569D, E581D.
Identifiers: ClinVar variation 528502 (VCV000528502.11), dbSNP rs1553904439, ClinGen allele CA356893047.

ClinVar aggregate classification (germline): Uncertain significance. Review status: criteria provided, multiple submitters, no conflicts (2 of 4 stars). 3 submissions from 3 submitters: Uncertain significance (3). Last evaluated 2025-11-17.

Conditions:
Hereditary cancer-predisposing syndrome. Also called: Tumor predisposition; Hereditary neoplastic syndrome; Hereditary Cancer Syndrome; Neoplastic Syndromes, Hereditary. Identifiers: Orphanet 140162, MedGen C0027672, MeSH D009386, MONDO:0015356.
Gastrointestinal stromal tumor. Also called: Gastrointestinal stroma tumor; Gastrointestinal stromal tumor, somatic. Identifiers: Orphanet 44890, MedGen C0238198, MeSH D046152, MONDO:0011719, OMIM 606764, HP:0100723.

Allele frequency attached by ClinVar (database versions not stated): TOPMed below 0.00001; gnomAD 0.00001; gnomAD exomes 0.00004.
gnomAD v4.1: 34 of 1,613,982 alleles (0.0021%); highest among the groups gnomAD compares: Non-Finnish European, 0.0026%; no homozygotes.

Submissions (3):

Ambry Genetics
Classification: Uncertain significance for Hereditary cancer-predisposing syndrome. Last evaluated: 2025-11-17. Review status: criteria provided, single submitter. Criteria: Ambry Variant Classification Scheme 2023. Collection method: clinical testing. Allele origin: germline.
Comment: The p.E556D variant (also known as c.1668A>T), located in coding exon 11 of the PDGFRA gene, results from an A to T substitution at nucleotide position 1668. The glutamic acid at codon 556 is replaced by aspartic acid, an amino acid with highly similar properties. This amino acid position is highly conserved in available vertebrate species. In addition, the in silico prediction for this alteration is inconclusive. Since supporting evidence is limited at this time, the clinical significance of this alteration remains unclear.

Labcorp Genetics (formerly Invitae), Labcorp
Classification: Uncertain significance for Gastrointestinal stromal tumor. Last evaluated: 2023-08-17. Review status: criteria provided, single submitter. Criteria: Invitae Variant Classification Sherloc (09022015). Collection method: clinical testing. Allele origin: germline.
Comment: This sequence change replaces glutamic acid, which is acidic and polar, with aspartic acid, which is acidic and polar, at codon 556 of the PDGFRA protein (p.Glu556Asp). This variant is not present in population databases (gnomAD no frequency). This variant has not been reported in the literature in individuals affected with PDGFRA-related conditions. ClinVar contains an entry for this variant (Variation ID: 528502). Advanced modeling of protein sequence and biophysical properties (such as structural, functional, and spatial information, amino acid conservation, physicochemical variation, residue mobility, and thermodynamic stability) has been performed at Invitae for this missense variant, however the output from this modeling did not meet the statistical confidence thresholds required to predict the impact of this variant on PDGFRA protein function. In summary, the available evidence is currently insufficient to determine the role of this variant in disease. Therefore, it has been classified as a Variant of Uncertain Significance.

GeneDx
Classification: Uncertain significance. Last evaluated: 2023-02-17. Review status: criteria provided, single submitter. Criteria: GeneDx Variant Classification Process June 2021. Collection method: clinical testing. Allele origin: germline. Affected: yes.
Comment: Not observed at significant frequency in large population cohorts (gnomAD); In silico analysis supports that this missense variant has a deleterious effect on protein structure/function; Has not been previously published as pathogenic or benign to our knowledge